The following is an entry in ClinVar:

ClinVar aggregate classification (germline): Benign. Review status: criteria provided, multiple submitters, no conflicts (2 of 4 stars). 5 submissions from 5 submitters: Benign (5). Last evaluated 2026-02-01.

Conditions:
Fleck corneal dystrophy (CFD). Also called: CORNEAL DYSTROPHY, FRANCOIS-NEETENS SPECKLED OR FLECKED. Identifiers: Orphanet 98970, MedGen C1562113, MONDO:0007376, OMIM 121850.

Allele frequency attached by ClinVar (database versions not stated): 1000 Genomes Project 30x 0.90990; 1000 Genomes Project 0.91154; TOPMed 0.92209; ESP Exome Variant Server 0.92234; gnomAD 0.92740 and 0.92940; ExAC 0.95972; gnomAD exomes 0.96446 and 0.97658.
gnomAD v4.1: 1,568,397 of 1,613,742 alleles (97%); highest among the groups gnomAD compares: Non-Finnish European, 98%; 763,631 homozygotes.

Submissions (5):

Labcorp Genetics (formerly Invitae), Labcorp
Classification: Benign. Last evaluated: 2026-02-01. Review status: criteria provided, single submitter. Criteria: Invitae Variant Classification Sherloc (09022015). Collection method: clinical testing. Allele origin: germline.

GeneDx
Classification: Benign. Last evaluated: 2022-03-28. Review status: criteria provided, single submitter. Criteria: GeneDx Variant Classification Process June 2021. Collection method: clinical testing. Allele origin: germline. Affected: yes.

Genome-Nilou Lab
Classification: Benign for Fleck corneal dystrophy. Last evaluated: 2021-09-05. Review status: criteria provided, single submitter. Criteria: ACMG Guidelines, 2015. Collection method: clinical testing. Allele origin: germline. Affected: no.

Illumina Laboratory Services, Illumina
Classification: Benign for Fleck corneal dystrophy. Last evaluated: 2018-01-12. Review status: criteria provided, single submitter. Criteria: ICSL Variant Classification Criteria 13 December 2019. Collection method: clinical testing. Allele origin: germline.
Comment: This variant was observed in the ICSL laboratory as part of a predisposition screen in an ostensibly healthy population. It had not been previously curated by ICSL or reported in the Human Gene Mutation Database (HGMD: prior to June 1st, 2018), and was therefore a candidate for classification through an automated scoring system. Utilizing variant allele frequency, disease prevalence and penetrance estimates, and inheritance mode, an automated score was calculated to assess if this variant is too frequent to cause the disease. Based on the score and internal cut-off values, a variant classified as benign is not then subjected to further curation. The score for this variant resulted in a classification of benign for this disease.

Breakthrough Genomics
Classification: Benign. Review status: criteria provided, single submitter. Criteria: ACMG Guidelines, 2015. Collection method: not provided. Allele origin: germline. Inheritance: Autosomal dominant inheritance. Affected: yes.

NM_015040.4(PIKFYVE):c.2984A>T (p.Gln995Leu)

Gene: PIKFYVE (phosphoinositide kinase, FYVE-type zinc finger containing; plus strand). Cytogenetic location: 2q34.
Variant type: single nucleotide variant.
Coding change: c.2984A>T on transcript NM_015040.4 (MANE Select); coding-DNA position 2984, A replaced by T.
Protein change: p.Gln995Leu; replaces glutamine 995 with leucine.
Molecular consequence: missense variant.
Genome position (GRCh38, 1-based): chr2:208,325,795, A>T. VCF-style: chr2-208325795-A-T. GRCh37 (hg19) VCF-style: chr2-209190519-A-T.
Other names: short protein forms Q995L.
Identifiers: ClinVar variation 333909 (VCV000333909.15), dbSNP rs893254, ClinGen allele CA2079970.
Genomic context (GRCh38, chr2:208,325,795, plus strand): 5'-TACCGGAATCATTGTTGCCACTCCCTGTGGATGACCAACAAGATGCTTTAGGCAGCGAGC[A>T]GCCAGAGACTTTGCAGCAAACAGTTGTGCTGCAGGATCCCAAAAGCCAGATAAGAGCCTT-3'
Protein context (NP_055855.2, residues 985-1005): DDQQDALGSE[Gln995Leu]PETLQQTVVL